The following is an entry in ClinVar:

NM_016519.6(AMBN):c.882C>A (p.His294Gln)

Gene: AMBN (ameloblastin; plus strand). Cytogenetic location: 4q13.3.
Variant type: single nucleotide variant.
Coding change: c.882C>A on transcript NM_016519.6 (MANE Select); coding-DNA position 882, C replaced by A.
Protein change: p.His294Gln; replaces histidine 294 with glutamine.
Molecular consequence: missense variant.
Genome position (GRCh38, 1-based): chr4:70,606,268, C>A. VCF-style: chr4-70606268-C-A. GRCh37 (hg19) VCF-style: chr4-71471985-C-A.
Other names: short protein forms H294Q.
Identifiers: ClinVar variation 780465 (VCV000780465.9), dbSNP rs113506649, ClinGen allele CA2951589.

ClinVar aggregate classification (germline): Benign/Likely benign. Review status: criteria provided, multiple submitters, no conflicts (2 of 4 stars). 4 submissions from 4 submitters: Benign (1); Likely benign (2). 1 of the submissions does not count toward it. Last evaluated 2019-12-31.

Conditions:
Amelogenesis imperfecta type 1F (AI1F). Also called: AMELOGENESIS IMPERFECTA, HYPOPLASTIC TYPE IF; Amelogenesis imperfecta, type IF. Identifiers: Orphanet 88661, MedGen C4225394, MONDO:0014560, OMIM 616270.
AMBN-related disorder. Also called: AMBN-related condition.

Allele frequency attached by ClinVar (database versions not stated): gnomAD exomes 0.00434; ESP Exome Variant Server 0.01984; ExAC 0.00523; gnomAD 0.01779 and 0.01646; 1000 Genomes Project 0.01857; 1000 Genomes Project 30x 0.01780; TOPMed 0.01830.
gnomAD v4.1: 4,983 of 1,614,104 alleles (0.31%); highest among the groups gnomAD compares: African/African-American, 5.7%; 125 homozygotes.

Submissions (4):

Labcorp Genetics (formerly Invitae), Labcorp
Classification: Benign. Last evaluated: 2019-12-31. Review status: criteria provided, single submitter. Criteria: Invitae Variant Classification Sherloc (09022015). Collection method: clinical testing. Allele origin: germline.

Knight Diagnostic Laboratories, Oregon Health and Sciences University
Classification: Likely benign for Amelogenesis imperfecta, type IF. Last evaluated: 2019-06-19. Review status: criteria provided, single submitter. Criteria: ACMG Guidelines, 2015. Collection method: clinical testing. Allele origin: germline. Observed: 1 variant allele.

Breakthrough Genomics
Classification: Likely benign. Review status: criteria provided, single submitter. Criteria: ACMG Guidelines, 2015. Collection method: not provided. Allele origin: germline. Inheritance: Autosomal recessive inheritance. Affected: yes.

PreventionGenetics, part of Exact Sciences
Classification: Benign for AMBN-related condition. Last evaluated: 2024-03-13. Review status: no assertion criteria provided. Collection method: clinical testing. Allele origin: germline. Not counted in ClinVar's aggregate classification.
Comment: This variant is classified as benign based on ACMG/AMP sequence variant interpretation guidelines (Richards et al. 2015 PMID: 25741868, with internal and published modifications).